The following is an entry in ClinVar:

ClinVar aggregate classification (germline): Uncertain significance (1 of 4 stars; one submission).

Conditions:
Neurodevelopmental disorder with speech impairment and with or without seizures. Also called: Neurodevelopmental disorder with variable intellectual disability and speech impairment, with or without seizures. Identifiers: MedGen C5774252, MONDO:0859313, OMIM 620114.

gnomAD v4.1: 1 of 1,611,304 alleles (0.000062%); highest among the groups gnomAD compares: Non-Finnish European, 0.000085%; no homozygotes.

Submission:

MVZ Medizinische Genetik Mainz
Classification: Uncertain significance for Neurodevelopmental disorder with speech impairment and with or without seizures. Last evaluated: 2026-04-21. Review status: criteria provided, single submitter. Criteria: UK Practice Guidelines For Variant Classification V4 01 2020. Collection method: clinical testing. Allele origin: germline. Inheritance: Autosomal dominant inheritance. Affected: yes. Observed: 1 variant allele.
Comment: ACMG Criteria: PP3_STR,PM2_SUP

NM_021096.4(CACNA1I):c.3850C>A (p.Arg1284Ser)

Gene: CACNA1I (calcium voltage-gated channel subunit alpha1 I; plus strand). Cytogenetic location: 22q13.1.
Variant type: single nucleotide variant.
Coding change: c.3850C>A on transcript NM_021096.4 (MANE Select); coding-DNA position 3850, C replaced by A.
Protein change: p.Arg1284Ser; replaces arginine 1284 with serine.
Molecular consequence: missense variant.
Genome position (GRCh38, 1-based): chr22:39,664,922, C>A. VCF-style: chr22-39664922-C-A. GRCh37 (hg19) VCF-style: chr22-40060927-C-A.
Other names: c.3745C>A, p.Arg1249Ser (NM_001003406.2); short protein forms R1249S, R1284S.
Identifiers: ClinVar variation 4852333 (VCV004852333.1).